The following is an entry in ClinVar:

ClinVar aggregate classification (germline): Uncertain significance. Review status: criteria provided, multiple submitters, no conflicts (2 of 4 stars). 4 submissions from 4 submitters: Uncertain significance (4). Last evaluated 2023-10-25.

Conditions:
Combined immunodeficiency due to MALT1 deficiency. Also called: Immunodeficiency 12. Identifiers: Orphanet 397964, MedGen C3809583, MONDO:0014197, OMIM 615468.
MALT1-related disorder. Also called: MALT1-related condition.
Inborn genetic diseases. Identifiers: MedGen C0950123, MeSH D030342.

Allele frequency attached by ClinVar (database versions not stated): gnomAD 0.00001; ExAC 0.00002; gnomAD exomes 0.00002 and 0.00004; TOPMed 0.00004.
gnomAD v4.1: 55 of 1,599,230 alleles (0.0034%); highest among the groups gnomAD compares: Non-Finnish European, 0.0046%; no homozygotes.

Submissions (4):

Ambry Genetics
Classification: Uncertain significance for Inborn genetic diseases. Last evaluated: 2023-10-25. Review status: criteria provided, single submitter. Criteria: Ambry Variant Classification Scheme 2023. Collection method: clinical testing. Allele origin: germline.

PreventionGenetics, part of Exact Sciences
Classification: Uncertain significance for MALT1-related condition. Last evaluated: 2023-01-06. Review status: criteria provided, single submitter. Criteria: ACMG Guidelines, 2015. Collection method: clinical testing. Allele origin: germline.
Comment: The MALT1 c.1898C>T variant is predicted to result in the amino acid substitution p.Thr633Ile. To our knowledge, this variant has not been reported in the literature. This variant is reported in 0.0027% of alleles in individuals of European (Non-Finnish) descent in gnomAD. At this time, the clinical significance of this variant is uncertain due to the absence of conclusive functional and genetic evidence.

Labcorp Genetics (formerly Invitae), Labcorp
Classification: Uncertain significance for Combined immunodeficiency due to MALT1 deficiency. Last evaluated: 2021-12-24. Review status: criteria provided, single submitter. Criteria: Invitae Variant Classification Sherloc (09022015). Collection method: clinical testing. Allele origin: germline.
Comment: This sequence change replaces threonine, which is neutral and polar, with isoleucine, which is neutral and non-polar, at codon 633 of the MALT1 protein (p.Thr633Ile). This variant is present in population databases (rs776118428, gnomAD 0.003%). This variant has not been reported in the literature in individuals affected with MALT1-related conditions. ClinVar contains an entry for this variant (Variation ID: 1039623). Algorithms developed to predict the effect of missense changes on protein structure and function (SIFT, PolyPhen-2, Align-GVGD) all suggest that this variant is likely to be disruptive. In summary, the available evidence is currently insufficient to determine the role of this variant in disease. Therefore, it has been classified as a Variant of Uncertain Significance.

New York Genome Center
Classification: Uncertain significance for Combined immunodeficiency due to MALT1 deficiency. Last evaluated: 2021-04-16. Review status: criteria provided, single submitter. Criteria: NYGC Assertion Criteria 2020. Collection method: clinical testing. Allele origin: inherited. Observed: 1 heterozygote. Study: CSER-NYCKidSeq.

NM_006785.4(MALT1):c.1898C>T (p.Thr633Ile)

Gene: MALT1 (MALT1 paracaspase; plus strand). Cytogenetic location: 18q21.32.
Variant type: single nucleotide variant.
Coding change: c.1898C>T on transcript NM_006785.4 (MANE Select); coding-DNA position 1898, C replaced by T.
Protein change: p.Thr633Ile; replaces threonine 633 with isoleucine.
Molecular consequence: missense variant.
Genome position (GRCh38, 1-based): chr18:58,744,482, C>T. VCF-style: chr18-58744482-C-T. GRCh37 (hg19) VCF-style: chr18-56411714-C-T.
Other names: c.1865C>T, p.Thr622Ile (NM_173844.3); c.1898C>T (NM_006785.3, NM_006785.2); short protein forms T633I, T622I.
Identifiers: ClinVar variation 1039623 (VCV001039623.8), dbSNP rs776118428, ClinGen allele CA8978005.